The following is an entry in ClinVar:

NM_020717.5(SHROOM4):c.4466G>T (p.Gly1489Val)

Gene: SHROOM4 (shroom family member 4; minus strand). Cytogenetic location: Xp11.22.
Variant type: single nucleotide variant.
Coding change: c.4466G>T on transcript NM_020717.5 (MANE Select); coding-DNA position 4466, G replaced by T.
Protein change: p.Gly1489Val; replaces glycine 1489 with valine.
Molecular consequence: missense variant. On other transcripts: non-coding transcript variant (4).
Genome position (GRCh38, 1-based): chrX:50,596,711, C>A on the plus strand (G>T on the coding strand, the complement: SHROOM4 is on the minus strand). VCF-style: chrX-50596711-C-A. GRCh37 (hg19) VCF-style: chrX-50339711-C-A.
Other names: short protein forms G1489V.
Identifiers: ClinVar variation 4526199 (VCV004526199.1).
Genomic context (GRCh38, chrX:50,596,711, plus strand): 5'-CCCACATGGCTGGGCAGGGATGCTGTGGCAGAGTGCTGGTAGAATTAGAAATTGCTGGGC[C>A]CCAGGAGTAGACTCTCCCTGAGACATTTGAGTTGCTCTTCCCCGAGCTTGATCTTCTCCT-3'
Protein context (NP_065768.2, residues 1479-1493): LKCLRESLLL[Gly1489Val]PSNF

ClinVar aggregate classification (germline): Uncertain significance (1 of 4 stars; one submission).

Submission:

Women's Health and Genetics/Laboratory Corporation of America, LabCorp
Classification: Uncertain significance. Last evaluated: 2025-07-25. Review status: criteria provided, single submitter. Criteria: LabCorp Variant Classification Summary - May 2015. Collection method: clinical testing. Allele origin: germline.
Comment: Variant summary: SHROOM4 c.4466G>T (p.Gly1489Val) results in a non-conservative amino acid change in the encoded protein sequence. Algorithms developed to predict the effect of missense changes on protein structure and function are either unavailable or do not agree on the potential impact of this missense change. The variant allele was found at a frequency of 5.5e-06 in 181721 control chromosomes. The available data on variant occurrences in the general population are insufficient to allow any conclusion about variant significance. To our knowledge, no occurrence of c.4466G>T in individuals affected with X-Linked Intellectual Disability, Stocco Dos Santos Type and no experimental evidence demonstrating its impact on protein function have been reported. No submitters have cited clinical-significance assessments for this variant to ClinVar. Based on the evidence outlined above, the variant was classified as uncertain significance.